The following is an entry in ClinVar:

NM_000268.4(NF2):c.1346_1347del (p.Lys449fs)

Gene: NF2 (NF2, moesin-ezrin-radixin like (MERLIN) tumor suppressor; plus strand). Cytogenetic location: 22q12.2.
Variant type: Deletion.
Coding change: c.1346_1347del on transcript NM_000268.4 (MANE Select); coding-DNA positions 1346 to 1347, 2 bases deleted (AA; older notation c.1346_1347delAA).
Protein change: p.Lys449fs; shifts the reading frame from lysine 449.
Molecular consequence: frameshift variant. On other transcripts: non-coding transcript variant (1), intron variant (1).
Genome position (GRCh38, 1-based): chr22:29,674,841-29,674,842, AA deleted; deleting any 2 consecutive bases within chr22:29,674,840-29,674,842 gives the same sequence; the c. name uses the placement nearest the transcript's 3' end. VCF-style (leftmost placement, unchanged base first): chr22-29674839-CAA-C. GRCh37 (hg19) VCF-style: chr22-30070828-CAA-C.
Other names: c.1346_1347delAA (NM_000268.3); c.1346_1347del, p.Lys449fs (NM_016418.5, NM_181825.3, NM_181832.3); c.1220_1221del, p.Lys407fs (NM_181828.3); c.1223_1224del, p.Lys408fs (NM_181829.3); c.1097_1098del, p.Lys366fs (NM_181830.3, NM_181831.3); c.448-19911_448-19910del (NM_181833.3); short protein forms K366fs, K408fs, K407fs, K449fs.
Identifiers: ClinVar variation 453214 (VCV000453214.10), dbSNP rs1556001351, ClinGen allele CA658658912.

ClinVar aggregate classification (germline): Pathogenic. Review status: criteria provided, multiple submitters, no conflicts (2 of 4 stars). 3 submissions from 3 submitters: Pathogenic (3). Last evaluated 2024-02-11.

Conditions:
Neurofibromatosis, type 2 (SWNV). Also called: BILATERAL ACOUSTIC NEUROFIBROMATOSIS; SCHWANNOMATOSIS, VESTIBULAR; NF2-Related Schwannomatosis. Identifiers: Orphanet 637, MedGen C0027832, MONDO:0007039, OMIM 101000. Disease mechanism: loss of function.

Submissions (3):

Labcorp Genetics (formerly Invitae), Labcorp
Classification: Pathogenic for Neurofibromatosis, type 2. Last evaluated: 2024-02-11. Review status: criteria provided, single submitter. Criteria: Invitae Variant Classification Sherloc (09022015). Collection method: clinical testing. Allele origin: germline.
Comment: This sequence change creates a premature translational stop signal (p.Lys449Argfs*45) in the NF2 gene. It is expected to result in an absent or disrupted protein product. Loss-of-function variants in NF2 are known to be pathogenic (PMID: 9643284, 16983642). This variant is not present in population databases (gnomAD no frequency). This variant has not been reported in the literature in individuals affected with NF2-related conditions. ClinVar contains an entry for this variant (Variation ID: 453214). For these reasons, this variant has been classified as Pathogenic.

Genome-Nilou Lab
Classification: Pathogenic for Neurofibromatosis, type 2. Last evaluated: 2021-11-07. Review status: criteria provided, single submitter. Criteria: ACMG Guidelines, 2015. Collection method: clinical testing. Allele origin: germline. Affected: no.

GeneDx
Classification: Pathogenic. Last evaluated: 2017-11-10. Review status: criteria provided, single submitter. Criteria: GeneDx Variant Classification (06012015). Collection method: clinical testing. Allele origin: germline. Affected: yes.
Comment: The c.1346_1347delAA variant has not been published as a pathogenic variant, nor has it been reported as a benign variant to our knowledge. The variant causes a frameshift starting with codon Lysine 449, changes this amino acid to an Arginine residue and creates a premature Stop codon at position 45 of the new reading frame, denoted p.Lys449ArgfsX45. This variant is predicted to cause loss of normal protein function either through protein truncation or nonsense-mediated mRNA decay. The variant is not observed in large population cohorts (Lek et al., 2016). In summary, we consider this variant to be pathogenic.

Literature cited by the submitters: PubMed 9643284 (cited by Labcorp Genetics (formerly Invitae), Labcorp); PubMed 16983642 (cited by Labcorp Genetics (formerly Invitae), Labcorp).